The following is an entry in ClinVar:

ClinVar aggregate classification (germline): Conflicting classifications of pathogenicity. Review status: criteria provided, conflicting classifications (1 of 4 stars). 5 submissions from 5 submitters: Uncertain significance (3); Likely benign (2). Last evaluated 2025-10-29.

Conditions:
Connective tissue disorder. Also called: Connective tissue disease. Identifiers: MedGen C0009782, MONDO:0003900.
Inborn genetic diseases. Identifiers: MedGen C0950123, MeSH D030342.

Allele frequency attached by ClinVar (database versions not stated): ESP Exome Variant Server 0.00008; gnomAD 0.00015 and 0.00020; ExAC 0.00017; gnomAD exomes 0.00021; TOPMed 0.00022; 1000 Genomes Project 30x 0.00031; 1000 Genomes Project 0.00040.
gnomAD v4.1: 423 of 1,614,196 alleles (0.026%); highest among the groups gnomAD compares: South Asian, 0.076%; no homozygotes.

Submissions (5):

Labcorp Genetics (formerly Invitae), Labcorp
Classification: Likely benign. Last evaluated: 2025-10-29. Review status: criteria provided, single submitter. Criteria: Invitae Variant Classification Sherloc (09022015). Collection method: clinical testing. Allele origin: germline.

Ambry Genetics
Classification: Likely benign for Inborn genetic diseases. Last evaluated: 2022-09-14. Review status: criteria provided, single submitter. Criteria: Ambry Variant Classification Scheme 2023. Collection method: clinical testing. Allele origin: germline.

GeneDx
Classification: Uncertain significance. Last evaluated: 2021-11-24. Review status: criteria provided, single submitter. Criteria: GeneDx Variant Classification Process June 2021. Collection method: clinical testing. Allele origin: germline. Affected: yes.
Comment: In silico analysis supports that this missense variant has a deleterious effect on protein structure/function; Has not been previously published as pathogenic or benign to our knowledge

Genome Diagnostics Laboratory, The Hospital for Sick Children
Classification: Uncertain significance for Connective tissue disorder. Last evaluated: 2020-01-01. Review status: criteria provided, single submitter. Criteria: ACMG Guidelines, 2015. Collection method: clinical testing. Allele origin: germline.

ARUP Laboratories, Molecular Genetics and Genomics, ARUP Laboratories
Classification: Uncertain significance. Last evaluated: 2019-01-12. Review status: criteria provided, single submitter. Criteria: ARUP Molecular Germline Variant Investigation Process. Collection method: clinical testing. Allele origin: germline.
Comment: The FLNB c.2095C>T; p.Arg699Trp variant (rs200554477), to our knowledge, is not reported in the medical literature or in gene-specific databases. It is observed in the general population at an overall frequency of 0.021% (58/282696 alleles) in the Genome Aggregation Database. The arginine at codon 699 is moderately conserved, and computational algorithms (PolyPhen-2, SIFT) predict that this variant is deleterious. However, due to the lack of clinical and functional data regarding this variants, its clinical significance cannot be determined with certainty.

NM_001457.4(FLNB):c.2095C>T (p.Arg699Trp)

Gene: FLNB (filamin B; plus strand). Cytogenetic location: 3p14.3.
Variant type: single nucleotide variant.
Coding change: c.2095C>T on transcript NM_001457.4 (MANE Select); coding-DNA position 2095, C replaced by T.
Protein change: p.Arg699Trp; replaces arginine 699 with tryptophan.
Molecular consequence: missense variant.
Genome position (GRCh38, 1-based): chr3:58,109,218, C>T. VCF-style: chr3-58109218-C-T. GRCh37 (hg19) VCF-style: chr3-58094945-C-T.
Other names: c.2095C>T, p.Arg699Trp (NM_001164317.2, NM_001164318.2, NM_001164319.2); short protein forms R699W.
Identifiers: ClinVar variation 811562 (VCV000811562.24), dbSNP rs200554477, ClinGen allele CA2468022.
Genomic context (GRCh38, chr3:58,109,218, plus strand): 5'-CTAGCTCTGGCTTTTTTGCAGGATGGGGAAGGCCAACGCATTGACATCCAGATGAAGAAC[C>T]GGATGGACGGCACATATGCATGCTCATACACCCCGGTGAAGGCCATCAAGCACACCATTG-3'
Protein context (NP_001448.2, residues 689-709): GQRIDIQMKN[Arg699Trp]MDGTYACSYT